The following is an entry in ClinVar:

NM_013247.5(HTRA2):c.1057G>A (p.Gly353Arg)

Gene: HTRA2 (HtrA serine peptidase 2; plus strand). Cytogenetic location: 2p13.1.
Variant type: single nucleotide variant.
Coding change: c.1057G>A on transcript NM_013247.5 (MANE Select); coding-DNA position 1057, G replaced by A.
Protein change: p.Gly353Arg; replaces glycine 353 with arginine.
Molecular consequence: missense variant. On other transcripts: non-coding transcript variant (4).
Genome position (GRCh38, 1-based): chr2:74,531,867, G>A. VCF-style: chr2-74531867-G-A. GRCh37 (hg19) VCF-style: chr2-74758994-G-A.
Other names: c.1087G>A, p.Gly363Arg (NM_001321727.1); c.1057G>A, p.Gly353Arg (NM_001321728.1); c.862G>A, p.Gly288Arg (NM_145074.2); short protein forms G363R, G288R, G353R.
Identifiers: ClinVar variation 1498599 (VCV001498599.8), dbSNP rs755545814, ClinGen allele CA1728554.
Genomic context (GRCh38, chr2:74,531,867, plus strand): 5'-GGGAAGGAAGGATGTAGCTGGGTGGGGCTCATTTGTCCCTCTGTCACAGATTCCTCCTCC[G>A]GAATCAGTGGGTCCCAGCGGCGCTACATTGGGGTGATGATGCTGACCCTGAGTCCCAGGT-3'
Protein context (NP_037379.1, residues 343-363): HRGEKKNSSS[Gly353Arg]ISGSQRRYIG

ClinVar aggregate classification (germline): Uncertain significance (1 of 4 stars; one submission).

Allele frequency attached by ClinVar (database versions not stated): TOPMed below 0.00001; ExAC 0.00001; gnomAD 0.00001.
gnomAD v4.1: 37 of 1,613,906 alleles (0.0023%); highest among the groups gnomAD compares: East Asian, 0.0089%; no homozygotes.

Submission:

Labcorp Genetics (formerly Invitae), Labcorp
Classification: Uncertain significance. Last evaluated: 2021-02-12. Review status: criteria provided, single submitter. Criteria: Invitae Variant Classification Sherloc (09022015). Collection method: clinical testing. Allele origin: germline.
Comment: This sequence change replaces glycine with arginine at codon 353 of the HTRA2 protein (p.Gly353Arg). The glycine residue is moderately conserved and there is a moderate physicochemical difference between glycine and arginine. This variant is present in population databases (rs755545814, ExAC 0.002%). This variant has not been reported in the literature in individuals with HTRA2-related conditions. Algorithms developed to predict the effect of missense changes on protein structure and function are either unavailable or do not agree on the potential impact of this missense change (SIFT: "Tolerated"; PolyPhen-2: "Probably Damaging"; Align-GVGD: "Class C0"). Algorithms developed to predict the effect of sequence changes on RNA splicing suggest that this variant may create or strengthen a splice site, but this prediction has not been confirmed by published transcriptional studies. In summary, the available evidence is currently insufficient to determine the role of this variant in disease. Therefore, it has been classified as a Variant of Uncertain Significance.